The following is an entry in ClinVar:

NM_025081.3(NYNRIN):c.5238G>A (p.Leu1746=)

Gene: NYNRIN (NYN domain and retroviral integrase containing; plus strand). Cytogenetic location: 14q12.
Variant type: single nucleotide variant.
Coding change: c.5238G>A on transcript NM_025081.3 (MANE Select); coding-DNA position 5238, G replaced by A.
Protein change: p.Leu1746=; no amino-acid change (leucine 1746 retained).
Molecular consequence: synonymous variant.
Genome position (GRCh38, 1-based): chr14:24,416,987, G>A. VCF-style: chr14-24416987-G-A. GRCh37 (hg19) VCF-style: chr14-24886193-G-A.
Identifiers: ClinVar variation 3708105 (VCV003708105.2).

ClinVar aggregate classification (germline): Uncertain significance (1 of 4 stars; one submission).

Submission:

Labcorp Genetics (formerly Invitae), Labcorp
Classification: Uncertain significance. Last evaluated: 2024-08-13. Review status: criteria provided, single submitter. Criteria: Invitae Variant Classification Sherloc (09022015). Collection method: clinical testing. Allele origin: germline.
Comment: This sequence change affects codon 1746 of the NYNRIN mRNA. It is a 'silent' change, meaning that it does not change the encoded amino acid sequence of the NYNRIN protein. This variant is present in population databases (no rsID available, gnomAD 0.003%). This variant has not been reported in the literature in individuals affected with NYNRIN-related conditions. Experimental studies and prediction algorithms are not available or were not evaluated, and the effect of this variant on mRNA splicing is currently unknown. In summary, the available evidence is currently insufficient to determine the role of this variant in disease. Therefore, it has been classified as a Variant of Uncertain Significance.